The following is an entry in ClinVar:

ClinVar aggregate classification (germline): Uncertain significance (1 of 4 stars; one submission).

Conditions:
Bardet-Biedl syndrome (BBS). Identifiers: Orphanet 110, MedGen C0752166, MONDO:0015229.

Submission:

Labcorp Genetics (formerly Invitae), Labcorp
Classification: Uncertain significance for Bardet-Biedl syndrome. Last evaluated: 2022-06-27. Review status: criteria provided, single submitter. Criteria: Invitae Variant Classification Sherloc (09022015). Collection method: clinical testing. Allele origin: germline.
Comment: This sequence change replaces arginine, which is basic and polar, with tryptophan, which is neutral and slightly polar, at codon 341 of the BBS1 protein (p.Arg341Trp). Information on the frequency of this variant in the gnomAD database is not available, as this variant may be reported differently in the database. This variant has not been reported in the literature in individuals affected with BBS1-related conditions. Experimental studies and prediction algorithms are not available or were not evaluated, and the functional significance of this variant is currently unknown. In summary, the available evidence is currently insufficient to determine the role of this variant in disease. Therefore, it has been classified as a Variant of Uncertain Significance.

NM_024649.5(BBS1):c.1020_1021delinsGT (p.Arg341Trp)

Genes: BBS1 (Bardet-Biedl syndrome 1; plus strand), ZDHHC24 (zDHHC palmitoyltransferase 24; minus strand). Cytogenetic location: 11q13.2.
Variant type: Indel.
Coding change: c.1020_1021delinsGT on transcript NM_024649.5 (MANE Select); coding-DNA positions 1020 to 1021, CC replaced by GT.
Protein change: p.Arg341Trp; replaces arginine 341 with tryptophan.
Molecular consequence: missense variant. On other transcripts: intron variant (1).
Genome position (GRCh38, 1-based): chr11:66,523,792-66,523,793, CC replaced by GT. VCF-style: chr11-66523792-CC-GT. GRCh37 (hg19) VCF-style: chr11-66291263-CC-GT.
Other names: c.*22-2327_*22-2326delinsAC (NM_001348571.2); short protein forms R341W.
Identifiers: ClinVar variation 2011275 (VCV002011275.4), dbSNP rs2495779665, ClinGen allele CA2580084546.